The following is an entry in ClinVar:

NM_000532.5(PCCB):c.1267A>G (p.Thr423Ala)

Gene: PCCB (propionyl-CoA carboxylase subunit beta; plus strand). Cytogenetic location: 3q22.3.
Variant type: single nucleotide variant.
Coding change: c.1267A>G on transcript NM_000532.5 (MANE Select); coding-DNA position 1267, A replaced by G.
Protein change: p.Thr423Ala; replaces threonine 423 with alanine.
Molecular consequence: missense variant.
Genome position (GRCh38, 1-based): chr3:136,327,223, A>G. VCF-style: chr3-136327223-A-G. GRCh37 (hg19) VCF-style: chr3-136046065-A-G.
Other names: c.1327A>G, p.Thr443Ala (NM_001178014.2); short protein forms T443A, T423A.
Identifiers: ClinVar variation 1900593 (VCV001900593.2), dbSNP rs2529972285, ClinGen allele CA354649190.

ClinVar aggregate classification (germline): Uncertain significance (1 of 4 stars; one submission).

Conditions:
Propionic acidemia (PROP). Also called: HYPERGLYCINEMIA WITH KETOACIDOSIS AND LEUKOPENIA; KETOTIC HYPERGLYCINEMIA; GLYCINEMIA, KETOTIC. Identifiers: Orphanet 35, MedGen C0268579, MONDO:0011628, OMIM 606054, HP:0003571.

Allele frequency attached by ClinVar (database versions not stated): gnomAD exomes below 0.00001.
gnomAD v4.1: 2 of 1,614,148 alleles (0.00012%); highest among the groups gnomAD compares: Non-Finnish European, 0.00017%; no homozygotes.

Submission:

Labcorp Genetics (formerly Invitae), Labcorp
Classification: Uncertain significance for Propionic acidemia. Last evaluated: 2022-05-19. Review status: criteria provided, single submitter. Criteria: Invitae Variant Classification Sherloc (09022015). Collection method: clinical testing. Allele origin: germline.
Comment: This sequence change replaces threonine, which is neutral and polar, with alanine, which is neutral and non-polar, at codon 423 of the PCCB protein (p.Thr423Ala). This variant is not present in population databases (gnomAD no frequency). This variant has not been reported in the literature in individuals affected with PCCB-related conditions. Advanced modeling of protein sequence and biophysical properties (such as structural, functional, and spatial information, amino acid conservation, physicochemical variation, residue mobility, and thermodynamic stability) performed at Invitae indicates that this missense variant is expected to disrupt PCCB protein function. In summary, the available evidence is currently insufficient to determine the role of this variant in disease. Therefore, it has been classified as a Variant of Uncertain Significance.